The following is an entry in ClinVar:

ClinVar aggregate classification (germline): Uncertain significance (1 of 4 stars; one submission).

Allele frequency attached by ClinVar (database versions not stated): gnomAD exomes below 0.00001.
gnomAD v4.1: 3 of 1,543,412 alleles (0.00019%); highest among the groups gnomAD compares: Admixed American, 0.0051%; no homozygotes.

Submission:

Labcorp Genetics (formerly Invitae), Labcorp
Classification: Uncertain significance. Last evaluated: 2022-05-17. Review status: criteria provided, single submitter. Criteria: Invitae Variant Classification Sherloc (09022015). Collection method: clinical testing. Allele origin: germline.
Comment: In summary, the available evidence is currently insufficient to determine the role of this variant in disease. Therefore, it has been classified as a Variant of Uncertain Significance. Variants that disrupt the consensus splice site are a relatively common cause of aberrant splicing (PMID: 17576681, 9536098). Algorithms developed to predict the effect of sequence changes on RNA splicing suggest that this variant is not likely to affect RNA splicing. This variant has not been reported in the literature in individuals affected with PLOD2-related conditions. This variant is not present in population databases (gnomAD no frequency). This sequence change falls in intron 14 of the PLOD2 gene. It does not directly change the encoded amino acid sequence of the PLOD2 protein. It affects a nucleotide within the consensus splice site.

Literature cited by the submitters: PubMed 17576681; PubMed 9536098.

NM_182943.3(PLOD2):c.1563+3G>C

Gene: PLOD2 (procollagen-lysine,2-oxoglutarate 5-dioxygenase 2; minus strand). Cytogenetic location: 3q24.
Variant type: single nucleotide variant.
Coding change: c.1563+3G>C on transcript NM_182943.3 (MANE Select); 3 bases into the intron after coding-DNA position 1563, G replaced by C.
Molecular consequence: intron variant.
Genome position (GRCh38, 1-based): chr3:146,077,859, C>G on the plus strand (G>C on the coding strand, the complement: PLOD2 is on the minus strand). VCF-style: chr3-146077859-C-G. GRCh37 (hg19) VCF-style: chr3-145795646-C-G.
Other names: c.1501-964G>C (NM_000935.3).
Identifiers: ClinVar variation 1976740 (VCV001976740.5), dbSNP rs1936398810, ClinGen allele CA2580068900.
Genomic context (GRCh38, chr3:146,077,859, plus strand): 5'-TAGGCAATATACTATATCAAATATTAAATAAACAAAAATAAATAAAATAAGTAAAAATAA[C>G]ACCTTTGGGGGGCTGAGCATTTGGAATGTTTCCGGAGTAGGGGAGTCTTTTTCCCTTTGT-3'